The following is an entry in ClinVar:

NM_020366.4(RPGRIP1):c.3442_3443insG (p.Phe1148fs)

Gene: RPGRIP1 (RPGR interacting protein 1; plus strand). Cytogenetic location: 14q11.2.
Variant type: Insertion.
Coding change: c.3442_3443insG on transcript NM_020366.4 (MANE Select); coding-DNA positions 3442 to 3443, G inserted.
Protein change: p.Phe1148fs; shifts the reading frame from phenylalanine 1148.
Molecular consequence: frameshift variant.
Genome position: GRCh38 VCF-style: chr14-21343138-T-TG. GRCh37 (hg19) VCF-style: chr14-21811297-T-TG.
Other names: c.1420_1421insG, p.Phe474fs (NM_001377523.1, NM_001377950.1); c.2368_2369insG, p.Phe790fs (NM_001377948.1); c.1528_1529insG, p.Phe510fs (NM_001377949.1); c.925_926insG, p.Phe309fs (NM_001377951.1); short protein forms F1148fs, F309fs, F474fs, F510fs, F790fs.
Identifiers: ClinVar variation 4856355 (VCV004856355.1).
Genomic context (GRCh38, chr14:21,343,138, plus strand): 5'-TACCCAGAGGCAGAAGTGATGTCTGATGAGAACATAAAACAGGTGTATGTGGAGTACAAA[T>TG]TCTACGACCTACCCTTGTCGGAGACAGAGACTCCAGTGTCCCTAAGGAAGCCTAGGGCAG-3'

ClinVar aggregate classification (germline): Pathogenic (1 of 4 stars; one submission).

Conditions:
Leber congenital amaurosis 6 (LCA6). Identifiers: Orphanet 65, MedGen C1854260, MONDO:0013446, OMIM 613826.

Submission:

3billion
Classification: Pathogenic for Leber congenital amaurosis 6. Last evaluated: 2026-01-19. Review status: criteria provided, single submitter. Criteria: ACMG Guidelines, 2015. Collection method: clinical testing. Allele origin: germline. Affected: yes.
Comment: The variant is not observed in the gnomAD v4.1.0 dataset. Predicted Consequence/Location: Frameshift: predicted to result in a loss or disruption of normal protein function through nonsense-mediated decay (NMD) or protein truncation. Multiple pathogenic variants are reported downstream of the variant. Therefore, this variant is classified as Pathogenic according to the recommendation of ACMG/AMP guideline.